The following is an entry in ClinVar:

ClinVar aggregate classification (germline): Uncertain significance (1 of 4 stars; one submission).

Conditions:
Cardiac arrhythmia. Also called: Arrhythmia; Cardiac rhythm disease. Identifiers: MedGen C0003811, MONDO:0007263, HP:0011675.

Submission:

Labcorp Genetics (formerly Invitae), Labcorp
Classification: Uncertain significance for Cardiac arrhythmia. Last evaluated: 2022-12-07. Review status: criteria provided, single submitter. Criteria: Invitae Variant Classification Sherloc (09022015). Collection method: clinical testing. Allele origin: germline.
Comment: In summary, the available evidence is currently insufficient to determine the role of this variant in disease. Therefore, it has been classified as a Variant of Uncertain Significance. Algorithms developed to predict the effect of missense changes on protein structure and function are either unavailable or do not agree on the potential impact of this missense change (SIFT: "Deleterious"; PolyPhen-2: "Possibly Damaging"; Align-GVGD: "Class C0"). This variant has not been reported in the literature in individuals affected with RANGRF-related conditions. This variant is not present in population databases (gnomAD no frequency). This sequence change replaces leucine, which is neutral and non-polar, with proline, which is neutral and non-polar, at codon 165 of the RANGRF protein (p.Leu165Pro).

NM_016492.5(RANGRF):c.494T>C (p.Leu165Pro)

Genes: RANGRF (RAN guanine nucleotide release factor; plus strand), SLC25A35 (solute carrier family 25 member 35; minus strand). Cytogenetic location: 17p13.1.
Variant type: single nucleotide variant.
Coding change: c.494T>C on transcript NM_016492.5 (MANE Select); coding-DNA position 494, T replaced by C.
Protein change: p.Leu165Pro; replaces leucine 165 with proline.
Molecular consequence: missense variant. On other transcripts: 3 prime UTR variant (3), non-coding transcript variant (2).
Genome position (GRCh38, 1-based): chr17:8,289,869, T>C. VCF-style: chr17-8289869-T-C. GRCh37 (hg19) VCF-style: chr17-8193187-T-C.
Other names: c.*277T>C (NM_001177801.2); c.*308T>C (NM_001177802.2); c.*51T>C (NM_001330127.2); c.845A>G, p.Gln282Arg (NM_001320871.2, NM_001320872.2, NM_201520.3); short protein forms L165P, Q282R.
Identifiers: ClinVar variation 2818802 (VCV002818802.3), dbSNP rs2543872782, ClinGen allele CA397997456.
Genomic context (GRCh38, chr17:8,289,869, plus strand): 5'-CAAGCCCTGACAACAGGTCATCTCTTGGCCCCGAAAATCTGTCACCTGCACCCTGGAGCC[T>C]GGGTGACTTTGAACAGCTGGTGACCAGTCTGACCCTTCACGATCCTAACATCTTTGGTCC-3'
Protein context (NP_057576.2, residues 155-175): PENLSPAPWS[Leu165Pro]GDFEQLVTSL